The following is an entry in ClinVar:

NM_001384140.1(PCDH15):c.1343_1350del (p.Tyr448fs)

Gene: PCDH15 (protocadherin related 15; minus strand). Cytogenetic location: 10q21.1.
Variant type: Deletion.
Coding change: c.1343_1350del on transcript NM_001384140.1 (MANE Select); coding-DNA positions 1343 to 1350, 8 bases deleted (ACACCTCA; older notation c.1343_1350delACACCTCA).
Protein change: p.Tyr448fs; shifts the reading frame from tyrosine 448.
Molecular consequence: frameshift variant.
Genome position (GRCh38, 1-based): chr10:54,185,224-54,185,231, TGAGGTGT deleted on the plus strand (ACACCTCA on the coding strand, the reverse complement: PCDH15 is on the minus strand). VCF-style (leftmost placement, unchanged base first): chr10-54185223-CTGAGGTGT-C. GRCh37 (hg19) VCF-style: chr10-55944983-CTGAGGTGT-C.
Other names: c.1358_1365del, p.Tyr453fs (NM_001142763.2, NM_001142771.2); c.1343_1350del, p.Tyr448fs (NM_001142764.2, NM_001142765.2, NM_001142766.2 and 6 more transcripts); c.1232_1239del, p.Tyr411fs (NM_001142767.2); c.1277_1284del, p.Tyr426fs (NM_001142768.2, NM_001142773.2, NM_001354404.2); c.1379_1386delACACCTCA, p.Tyr460Cysfs (NM_001142769.4); c.1364_1371del, p.Tyr455fs (NM_001354411.2); short protein forms Y426fs, Y448fs, Y455fs, Y411fs, Y453fs, Y460fs.
Identifiers: ClinVar variation 842584 (VCV000842584.7), dbSNP rs2048383082, ClinGen allele CA916083130.
Genomic context (GRCh38, chr10:54,185,223, plus strand): 5'-TGTCCACTGGTTGAAGTAAGGTGAGGTAGCGAGTAATACCAGTCTGTGTGACGGTGAAGA[CTGAGGTGT>C]AGTCATTCAGAAAAAGGTGAAGCTCTGGGTCTTTTGTCTTTGAAAAAAAATGACATCGTT-3'

ClinVar aggregate classification (germline): Pathogenic (1 of 4 stars; one submission).

Submission:

Labcorp Genetics (formerly Invitae), Labcorp
Classification: Pathogenic. Last evaluated: 2020-02-19. Review status: criteria provided, single submitter. Criteria: Invitae Variant Classification Sherloc (09022015). Collection method: clinical testing. Allele origin: germline.
Comment: This variant has not been reported in the literature in individuals with PCDH15-related conditions. For these reasons, this variant has been classified as Pathogenic. Loss-of-function variants in PCDH15 are known to be pathogenic (PMID: 11398101, 11487575, 14570705). This variant is not present in population databases (ExAC no frequency). This sequence change creates a premature translational stop signal (p.Tyr448Cysfs*35) in the PCDH15 gene. It is expected to result in an absent or disrupted protein product.

Literature cited by the submitters: PubMed 11398101; PubMed 11487575; PubMed 14570705.